The following is an entry in ClinVar:

NM_005458.8(GABBR2):c.635G>A (p.Arg212Gln)

Genes: GABBR2 (gamma-aminobutyric acid type B receptor subunit 2; minus strand), LOC126860700 (CDK7 strongly-dependent group 2 enhancer GRCh37_chr9:101257622-101258821; plus strand). Cytogenetic location: 9q22.33.
Variant type: single nucleotide variant.
Coding change: c.635G>A on transcript NM_005458.8 (MANE Select); coding-DNA position 635, G replaced by A.
Protein change: p.Arg212Gln; replaces arginine 212 with glutamine.
Molecular consequence: missense variant.
Genome position (GRCh38, 1-based): chr9:98,496,510, C>T on the plus strand (G>A on the coding strand, the complement: GABBR2 is on the minus strand). VCF-style: chr9-98496510-C-T. GRCh37 (hg19) VCF-style: chr9-101258792-C-T.
Other names: short protein forms R212Q.
Identifiers: ClinVar variation 985861 (VCV000985861.5), dbSNP rs1827283362, ClinGen allele CA374349387.

ClinVar aggregate classification (germline): Likely pathogenic (1 of 4 stars; one submission).

Conditions:
Inborn genetic diseases. Identifiers: MedGen C0950123, MeSH D030342.

Submissions (2):

Ambry Genetics
Classification: Likely pathogenic for Inborn genetic diseases. Last evaluated: 2025-01-22. Review status: criteria provided, single submitter. Criteria: Ambry Variant Classification Scheme 2023. Collection method: clinical testing. Allele origin: germline.
Comment: The c.635G>A (p.R212Q) alteration is located in coding exon 4 of the GABBR2 gene. This alteration results from a G to A substitution at nucleotide position 635, causing the arginine (R) at amino acid position 212 to be replaced by a glutamine (Q). This variant was not reported in population-based cohorts in the Genome Aggregation Database (gnomAD). This variant was reported in individual(s) with features consistent with GABBR2-related neurodevelopmental disorder; in at least one individual, it was determined to be de novo (Bielopolski, 2023). This amino acid position is highly conserved in available vertebrate species. Functional studies suggest this variant may reduce cell surface expression and alter GB2 receptor subunit properties; however, the physiological relevance of these findings are unclear (Bielopolski, 2023). The in silico prediction for this alteration is inconclusive. Based on the available evidence, this alteration is classified as likely pathogenic.

The Genetics Institute, Kaplan Medical center
No classification provided (evidence only). Condition: Neurodevelopmental disorder with poor language and loss of hand skills. Last evaluated: 2023-10-26. Review status: no classification provided. Collection method: in vitro. Allele origin: not applicable. Inheritance: Autosomal dominant inheritance. Functional consequence: Increased function. Not counted in ClinVar's aggregate classification.
ClinVar note: "not provided" was previously submitted as the classification for the variant. However, the classification appeared to be based only on an observation of functional data so it was converted to no classification on 2025-07-30.

Literature cited by the submitters: PubMed 38076211 (cited by Ambry Genetics); DOI 10.3389/fnmol.2023.1267343 (cited by The Genetics Institute, Kaplan Medical center).